The following is an entry in ClinVar:

ClinVar aggregate classification (germline): Uncertain significance (1 of 4 stars; one submission).

Submission:

Ambry Genetics
Classification: Uncertain significance. Last evaluated: 2024-08-24. Review status: criteria provided, single submitter. Criteria: Ambry Variant Classification Scheme 2023. Collection method: clinical testing. Allele origin: germline.
Comment: The p.M847L variant (also known as c.2539A>T), located in coding exon 17 of the CTNNA3 gene, results from an A to T substitution at nucleotide position 2539. The methionine at codon 847 is replaced by leucine, an amino acid with highly similar properties. This amino acid position is conserved. In addition, this alteration is predicted to be tolerated by in silico analysis. Based on the available evidence, the clinical significance of this variant remains unclear.

NM_013266.4(CTNNA3):c.2539A>T (p.Met847Leu)

Gene: CTNNA3 (catenin alpha 3; minus strand). Cytogenetic location: 10q21.3.
Variant type: single nucleotide variant.
Coding change: c.2539A>T on transcript NM_013266.4 (MANE Select); coding-DNA position 2539, A replaced by T.
Protein change: p.Met847Leu; replaces methionine 847 with leucine.
Molecular consequence: missense variant.
Genome position (GRCh38, 1-based): chr10:65,920,479, T>A on the plus strand (A>T on the coding strand, the complement: CTNNA3 is on the minus strand). VCF-style: chr10-65920479-T-A. GRCh37 (hg19) VCF-style: chr10-67680237-T-A.
Other names: c.2539A>T, p.Met847Leu (NM_001127384.3); short protein forms M847L.
Identifiers: ClinVar variation 3498295 (VCV003498295.1).